The following is an entry in ClinVar:

NM_004525.3(LRP2):c.7370C>G (p.Thr2457Ser)

Gene: LRP2 (LDL receptor related protein 2; minus strand). Cytogenetic location: 2q31.1.
Variant type: single nucleotide variant.
Coding change: c.7370C>G on transcript NM_004525.3 (MANE Select); coding-DNA position 7370, C replaced by G.
Protein change: p.Thr2457Ser; replaces threonine 2457 with serine.
Molecular consequence: missense variant.
Genome position (GRCh38, 1-based): chr2:169,206,350, G>C on the plus strand (C>G on the coding strand, the complement: LRP2 is on the minus strand). VCF-style: chr2-169206350-G-C. GRCh37 (hg19) VCF-style: chr2-170062860-G-C.
Other names: short protein forms T2457S.
Identifiers: ClinVar variation 2127300 (VCV002127300.4), dbSNP rs1397837827, ClinGen allele CA349170812.

ClinVar aggregate classification (germline): Uncertain significance (1 of 4 stars; one submission).

gnomAD v4.1: 1 of 1,614,112 alleles (0.000062%); highest among the groups gnomAD compares: Non-Finnish European, 0.000085%; no homozygotes.

Submission:

Labcorp Genetics (formerly Invitae), Labcorp
Classification: Uncertain significance. Last evaluated: 2022-07-25. Review status: criteria provided, single submitter. Criteria: Invitae Variant Classification Sherloc (09022015). Collection method: clinical testing. Allele origin: germline.
Comment: This sequence change replaces threonine, which is neutral and polar, with serine, which is neutral and polar, at codon 2457 of the LRP2 protein (p.Thr2457Ser). This variant is not present in population databases (gnomAD no frequency). In summary, the available evidence is currently insufficient to determine the role of this variant in disease. Therefore, it has been classified as a Variant of Uncertain Significance. Advanced modeling of protein sequence and biophysical properties (such as structural, functional, and spatial information, amino acid conservation, physicochemical variation, residue mobility, and thermodynamic stability) performed at Invitae indicates that this missense variant is not expected to disrupt LRP2 protein function. This variant has not been reported in the literature in individuals affected with LRP2-related conditions.